The following is an entry in ClinVar:

ClinVar aggregate classification (germline): Uncertain significance. Review status: criteria provided, multiple submitters, no conflicts (2 of 4 stars). 2 submissions from 2 submitters: Uncertain significance (2). Last evaluated 2025-12-15.

Conditions:
Hereditary cancer-predisposing syndrome. Also called: Tumor predisposition; Hereditary Cancer Syndrome; Neoplastic Syndromes, Hereditary; Hereditary neoplastic syndrome. Identifiers: Orphanet 140162, MedGen C0027672, MeSH D009386, MONDO:0015356.
Hereditary nonpolyposis colorectal neoplasms. Identifiers: MedGen C0009405, MeSH D003123.

Submissions (2):

Labcorp Genetics (formerly Invitae), Labcorp
Classification: Uncertain significance for Hereditary nonpolyposis colorectal neoplasms. Last evaluated: 2025-12-15. Review status: criteria provided, single submitter. Criteria: Invitae Variant Classification Sherloc (09022015). Collection method: clinical testing. Allele origin: germline.
Comment: This sequence change replaces leucine, which is neutral and non-polar, with proline, which is neutral and non-polar, at codon 955 of the MSH6 protein (p.Leu955Pro). This variant is not present in population databases (gnomAD no frequency). This variant has not been reported in the literature in individuals affected with MSH6-related conditions. ClinVar contains an entry for this variant (Variation ID: 1796989). Invitae Evidence Modeling of protein sequence and biophysical properties (such as structural, functional, and spatial information, amino acid conservation, physicochemical variation, residue mobility, and thermodynamic stability) indicates that this missense variant is expected to disrupt MSH6 protein function with a positive predictive value of 80%. In summary, the available evidence is currently insufficient to determine the role of this variant in disease. Therefore, it has been classified as a Variant of Uncertain Significance.

Ambry Genetics
Classification: Uncertain significance for Hereditary cancer-predisposing syndrome. Last evaluated: 2020-07-15. Review status: criteria provided, single submitter. Criteria: Ambry Variant Classification Scheme 2023. Collection method: clinical testing. Allele origin: germline.
Comment: The p.L955P variant (also known as c.2864T>C), located in coding exon 4 of the MSH6 gene, results from a T to C substitution at nucleotide position 2864. The leucine at codon 955 is replaced by proline, an amino acid with similar properties. This amino acid position is highly conserved in available vertebrate species. In addition, this alteration is predicted to be deleterious by in silico analysis. Since supporting evidence is limited at this time, the clinical significance of this alteration remains unclear.

NM_000179.3(MSH6):c.2864T>C (p.Leu955Pro)

Gene: MSH6 (mutS homolog 6; plus strand). Cytogenetic location: 2p16.3.
Variant type: single nucleotide variant.
Coding change: c.2864T>C on transcript NM_000179.3 (MANE Select); coding-DNA position 2864, T replaced by C.
Protein change: p.Leu955Pro; replaces leucine 955 with proline.
Molecular consequence: missense variant.
Genome position (GRCh38, 1-based): chr2:47,800,847, T>C. VCF-style: chr2-47800847-T-C. GRCh37 (hg19) VCF-style: chr2-48027986-T-C.
Other names: c.2474T>C, p.Leu825Pro (NM_001281492.2); c.1958T>C, p.Leu653Pro (NM_001281493.2, NM_001281494.2, NM_001406811.1 and 6 more transcripts); c.2960T>C, p.Leu987Pro (NM_001406795.1, NM_001406802.1); c.2864T>C, p.Leu955Pro (NM_001406796.1, NM_001406798.1, NM_001406800.1 and 2 more transcripts); c.2567T>C, p.Leu856Pro (NM_001406797.1, NM_001406801.1, NM_001406805.1 and 10 more transcripts); c.2339T>C, p.Leu780Pro (NM_001406799.1, NM_001406806.1, NM_001406807.1); c.2786T>C, p.Leu929Pro (NM_001406804.1); c.2870T>C, p.Leu957Pro (NM_001406813.1); and 2 more; short protein forms L780P, L957P, L270P, L825P, L929P, L955P, L653P, L856P.
Identifiers: ClinVar variation 1796989 (VCV001796989.4), dbSNP rs2104427762, ClinGen allele CA346755948.